The following is an entry in ClinVar:

NM_001256627.2(BRSK2):c.2161A>T (p.Lys721Ter)

Gene: BRSK2 (BR serine/threonine kinase 2; plus strand). Cytogenetic location: 11p15.5.
Variant type: single nucleotide variant.
Coding change: c.2161A>T on transcript NM_001256627.2 (MANE Select); coding-DNA position 2161, A replaced by T.
Protein change: p.Lys721Ter; replaces lysine 721 with a stop codon.
Molecular consequence: nonsense. On other transcripts: intron variant (14).
Genome position (GRCh38, 1-based): chr11:1,460,673, A>T. VCF-style: chr11-1460673-A-T. GRCh37 (hg19) VCF-style: chr11-1481903-A-T.
Other names: c.2251A>T, p.Lys751Ter (NM_001256630.1); c.1981A>T, p.Lys661Ter (NM_001440669.1); c.2420-297A>T (NM_001440665.1); c.2054-297A>T (NM_001440668.1); c.2006-297A>T (NM_001440670.1); c.2354-297A>T (NM_001440666.1); c.*10-297A>T (NM_001256629.2, NM_001282218.2); c.1988-297A>T (NM_003957.4); and 5 more; short protein forms K661*, K721*, K751*.
Identifiers: ClinVar variation 4849548 (VCV004849548.1).

ClinVar aggregate classification (germline): Uncertain significance (1 of 4 stars; one submission).

Conditions:
Autosomal dominant non-syndromic intellectual disability. Identifiers: Orphanet 178469, MedGen C5680502, MONDO:0015802.

gnomAD v4.1: 1 of 1,523,210 alleles (0.000066%); no homozygotes.

Submission:

Department of Human Genetics, University Hospital Bern, Inselspital
Classification: Uncertain significance for Autosomal dominant non-syndromic intellectual disability. Last evaluated: 2026-05-03. Review status: criteria provided, single submitter. Criteria: ACMG Guidelines, 2015. Collection method: clinical testing. Allele origin: inherited. Affected: yes.
Comment: The C-terminal variant leads to an early stop codon likely to escape nonsense-mediated mRNA decay. In summary, criterion PVS1 was used.

Literature cited by the submitters: PubMed 42509346.